The following is an entry in ClinVar:

NM_001029883.3(PCARE):c.2125G>A (p.Gly709Arg)

Gene: PCARE (photoreceptor cilium actin regulator; minus strand). Cytogenetic location: 2p23.2.
Variant type: single nucleotide variant.
Coding change: c.2125G>A on transcript NM_001029883.3 (MANE Select); coding-DNA position 2125, G replaced by A.
Protein change: p.Gly709Arg; replaces glycine 709 with arginine.
Molecular consequence: missense variant.
Genome position (GRCh38, 1-based): chr2:29,072,137, C>T on the plus strand (G>A on the coding strand, the complement: PCARE is on the minus strand). VCF-style: chr2-29072137-C-T. GRCh37 (hg19) VCF-style: chr2-29295003-C-T.
Other names: short protein forms G709R.
Identifiers: ClinVar variation 1058564 (VCV001058564.8), dbSNP rs375649076, ClinGen allele CA1592275.

ClinVar aggregate classification (germline): Uncertain significance. Review status: criteria provided, multiple submitters, no conflicts (2 of 4 stars). 2 submissions from 2 submitters: Uncertain significance (2). Last evaluated 2022-10-05.

Allele frequency attached by ClinVar (database versions not stated): gnomAD exomes 0.00001 and 0.00002; ExAC 0.00002; gnomAD 0.00013 and 0.00016; ESP Exome Variant Server 0.00016; TOPMed 0.00016.
gnomAD v4.1: 35 of 1,614,150 alleles (0.0022%); highest among the groups gnomAD compares: African/African-American, 0.045%; no homozygotes.

Submissions (2):

Labcorp Genetics (formerly Invitae), Labcorp
Classification: Uncertain significance. Last evaluated: 2022-10-05. Review status: criteria provided, single submitter. Criteria: Invitae Variant Classification Sherloc (09022015). Collection method: clinical testing. Allele origin: germline.
Comment: In summary, the available evidence is currently insufficient to determine the role of this variant in disease. Therefore, it has been classified as a Variant of Uncertain Significance. Algorithms developed to predict the effect of missense changes on protein structure and function output the following: SIFT: "Deleterious"; PolyPhen-2: "Benign"; Align-GVGD: "Class C0". The arginine amino acid residue is found in multiple mammalian species, which suggests that this missense change does not adversely affect protein function. ClinVar contains an entry for this variant (Variation ID: 1058564). This variant has not been reported in the literature in individuals affected with PCARE-related conditions. This variant is present in population databases (rs375649076, gnomAD 0.02%). This sequence change replaces glycine, which is neutral and non-polar, with arginine, which is basic and polar, at codon 709 of the PCARE protein (p.Gly709Arg).

Blueprint Genetics
Classification: Uncertain significance. Last evaluated: 2021-12-16. Review status: criteria provided, single submitter. Criteria: ACMG Guidelines, 2015. Collection method: clinical testing. Allele origin: germline.